The following is an entry in ClinVar:

NM_001114753.3(ENG):c.1134+1G>T

Gene: ENG (endoglin; minus strand). Cytogenetic location: 9q34.11.
Variant type: single nucleotide variant.
Coding change: c.1134+1G>T on transcript NM_001114753.3 (MANE Select); the canonical splice donor site of the intron after coding-DNA position 1134, G replaced by T.
Molecular consequence: splice donor variant. On other transcripts: missense variant (1).
Genome position (GRCh38, 1-based): chr9:127,824,303, C>A on the plus strand (G>T on the coding strand, the complement: ENG is on the minus strand). VCF-style: chr9-127824303-C-A. GRCh37 (hg19) VCF-style: chr9-130586582-C-A.
Other names: c.1135G>T, p.Val379Leu (NM_001406715.1); c.1134+1G>T (NM_000118.4); c.588+1G>T (NM_001278138.2); short protein forms V379L.
Identifiers: ClinVar variation 1729157 (VCV001729157.3), dbSNP rs112809381, ClinGen allele CA374980577.

ClinVar aggregate classification (germline): Pathogenic/Likely pathogenic. Review status: criteria provided, multiple submitters, no conflicts (2 of 4 stars). 2 submissions from 2 submitters: Pathogenic (1); Likely pathogenic (1). Last evaluated 2025-02-27.

Conditions:
Hereditary hemorrhagic telangiectasia (HHT). Also called: ORW DISEASE; Osler Weber Rendu syndrome; OSLER-RENDU-WEBER DISEASE; Osler hemorrhagic telangiectasia syndrome. Identifiers: Orphanet 774, MedGen C0039445, MONDO:0019180. Disease mechanism: loss of function.
Cardiovascular phenotype. Identifiers: MedGen CN230736.

Submissions (2):

Labcorp Genetics (formerly Invitae), Labcorp
Classification: Pathogenic for Hereditary hemorrhagic telangiectasia. Last evaluated: 2025-02-27. Review status: criteria provided, single submitter. Criteria: Invitae Variant Classification Sherloc (09022015). Collection method: clinical testing. Allele origin: germline.
Comment: This sequence change affects a donor splice site in intron 8 of the ENG gene. RNA analysis indicates that disruption of this splice site induces altered splicing and likely results in the loss of 8 amino acid residue(s), but is expected to preserve the integrity of the reading-frame. This variant is not present in population databases (gnomAD no frequency). Disruption of this splice site has been observed in individuals with hereditary hemorrhagic telangiectasia (PMID: 9245986, 15712271). It has also been observed to segregate with disease in related individuals. ClinVar contains an entry for this variant (Variation ID: 1729157). Studies have shown that disruption of this splice site results in the activation of a cryptic splice site in exon 8 (PMID: 9245986). For these reasons, this variant has been classified as Pathogenic.

Ambry Genetics
Classification: Likely pathogenic for Cardiovascular phenotype. Last evaluated: 2016-09-14. Review status: criteria provided, single submitter. Criteria: Ambry Variant Classification Scheme 2023. Collection method: clinical testing. Allele origin: germline.
Comment: The c.1134+1G>T intronic variant results from a G to T substitution one nucleotide after coding exon 8 of the ENG gene. This variant was not reported in population based cohorts in the following databases: Database of Single Nucleotide Polymorphisms (dbSNP), NHLBI Exome Sequencing Project (ESP), and 1000 Genomes Project. In the ESP, this variant was not observed in 6503 samples (13006 alleles) with coverage at this position. This nucleotide position is highly conserved in available vertebrate species. Using the BDGP and ESEfinder splice site prediction tools, this alteration is predicted to abolish the native splice donor site; however, direct evidence is unavailable. Alterations that disrupt the canonical splice site are expected to cause aberrant splicing, resulting in an abnormal protein or a transcript that is subject to nonsense-mediated mRNA decay. As such, this alteration is classified as likely pathogenic.

Literature cited by the submitters: PubMed 9245986 (cited by Labcorp Genetics (formerly Invitae), Labcorp); PubMed 15712271 (cited by Labcorp Genetics (formerly Invitae), Labcorp).